The following is an entry in ClinVar:

NM_032444.4(SLX4):c.5281C>T (p.Arg1761Cys)

Gene: SLX4 (SLX4 structure-specific endonuclease subunit; minus strand). Cytogenetic location: 16p13.3.
Variant type: single nucleotide variant.
Coding change: c.5281C>T on transcript NM_032444.4 (MANE Select); coding-DNA position 5281, C replaced by T.
Protein change: p.Arg1761Cys; replaces arginine 1761 with cysteine.
Molecular consequence: missense variant.
Genome position (GRCh38, 1-based): chr16:3,582,566, G>A on the plus strand (C>T on the coding strand, the complement: SLX4 is on the minus strand). VCF-style: chr16-3582566-G-A. GRCh37 (hg19) VCF-style: chr16-3632567-G-A.
Other names: c.5281C>T (LRG_503t1); short protein forms R1761C.
Identifiers: ClinVar variation 212221 (VCV000212221.51), dbSNP rs143818824, ClinGen allele CA208149.
Genomic context (GRCh38, chr16:3,582,566, plus strand): 5'-GCTCCCGCAGCTCAAAGGGCTGGTACAGCAGCACCTTCTGGTACAGGGCCGGCTTGGAGC[G>A]GATGTAGCACCTCAGCGCCTCGTCTGTGTCCGCCGCCTGCACGGCTGCCTGCGAGGCACT-3'
Protein context (NP_115820.2, residues 1751-1771): DTDEALRCYI[Arg1761Cys]SKPALYQKVL

ClinVar aggregate classification (germline): Benign. Review status: criteria provided, multiple submitters, no conflicts (2 of 4 stars). 12 submissions from 12 submitters: Benign (10). 2 of the submissions do not count toward it. Last evaluated 2026-01-31.

Conditions:
Fanconi anemia complementation group P. Also called: SLX4-Related Fanconi Anemia. Identifiers: Orphanet 84, MedGen C3469542, MONDO:0013499, OMIM 613951.
Fanconi anemia (FA). Also called: Fanconi's anemia. Identifiers: Orphanet 84, MedGen C0015625, MeSH D005199, MONDO:0019391.

Allele frequency attached by ClinVar (database versions not stated): gnomAD exomes 0.00073 and 0.00187; ExAC 0.00227; gnomAD 0.00721 and 0.00776; 1000 Genomes Project 30x 0.00750; ESP Exome Variant Server 0.00816; TOPMed 0.00823; 1000 Genomes Project 0.00859.
gnomAD v4.1: 2,200 of 1,613,784 alleles (0.14%); highest among the groups gnomAD compares: African/African-American, 2.6%; 23 homozygotes.

Submissions (12):

Labcorp Genetics (formerly Invitae), Labcorp
Classification: Benign for Fanconi anemia. Last evaluated: 2026-01-31. Review status: criteria provided, single submitter. Criteria: Invitae Variant Classification Sherloc (09022015). Collection method: clinical testing. Allele origin: germline.

Dasa
Classification: Benign. Last evaluated: 2026-01-26. Review status: criteria provided, single submitter. Criteria: DASA Assertion Criteria. Collection method: clinical testing. Allele origin: germline.
Comment: NM_032444.4(SLX4):c.5281C>T (p.Arg1761Cys) is interpreted as benign based on a combination of available evidence, including population frequency, in silico models suggesting no deleterious effect, and the mechanism of disease or impacted region being inconsistent with a known cause of pathogenicity. Based on the available data, this variant is classified as benign.

CeGaT Center for Human Genetics Tuebingen
Classification: Benign. Last evaluated: 2025-10-01. Review status: criteria provided, single submitter. Criteria: CeGaT Center For Human Genetics Tuebingen Variant Classification Criteria Version 2. Collection method: clinical testing. Allele origin: germline. Affected: yes. Observed: 8 variant alleles.
Comment: SLX4: BP4, BS1, BS2

ARUP Laboratories, Molecular Genetics and Genomics, ARUP Laboratories
Classification: Benign for Fanconi anemia complementation group P. Last evaluated: 2024-10-17. Review status: criteria provided, single submitter. Criteria: ARUP Molecular Germline Variant Investigation Process 2024. Collection method: clinical testing. Allele origin: germline.

GeneDx
Classification: Benign. Last evaluated: 2021-03-31. Review status: criteria provided, single submitter. Criteria: GeneDx Variant Classification Process June 2021. Collection method: clinical testing. Allele origin: germline. Affected: yes.
Comment: This variant is associated with the following publications: (PMID: 28678401)

Sema4
Classification: Benign for Fanconi anemia. Last evaluated: 2020-12-19. Review status: criteria provided, single submitter. Criteria: Sema4 Curation Guidelines. Collection method: curation. Allele origin: germline.

Genetic Services Laboratory, University of Chicago
Classification: Benign. Last evaluated: 2018-03-06. Review status: criteria provided, single submitter. Criteria: ACMG Guidelines, 2015. Collection method: clinical testing. Allele origin: germline. Affected: no.

Illumina Laboratory Services, Illumina
Classification: Benign for Fanconi anemia complementation group P. Last evaluated: 2018-01-13. Review status: criteria provided, single submitter. Criteria: ICSL Variant Classification Criteria 13 December 2019. Collection method: clinical testing. Allele origin: germline.
Comment: This variant was observed in the ICSL laboratory as part of a predisposition screen in an ostensibly healthy population. It had not been previously curated by ICSL or reported in the Human Gene Mutation Database (HGMD: prior to June 1st, 2018), and was therefore a candidate for classification through an automated scoring system. Utilizing variant allele frequency, disease prevalence and penetrance estimates, and inheritance mode, an automated score was calculated to assess if this variant is too frequent to cause the disease. Based on the score and internal cut-off values, a variant classified as benign is not then subjected to further curation. The score for this variant resulted in a classification of benign for this disease.

Center for Pediatric Genomic Medicine, Children's Mercy Hospital and Clinics
Classification: Benign. Last evaluated: 2017-01-12. Review status: criteria provided, single submitter. Criteria: ACMG Guidelines, 2015. Collection method: clinical testing. Allele origin: germline.

PreventionGenetics, part of Exact Sciences
Classification: Benign. Review status: criteria provided, single submitter. Criteria: ACMG Guidelines, 2015. Collection method: clinical testing. Allele origin: germline.

Clinical Genetics DNA and cytogenetics Diagnostics Lab, Erasmus MC, Erasmus Medical Center
Classification: Benign. Review status: no assertion criteria provided. Collection method: clinical testing. Allele origin: germline. Affected: yes. Study: VKGL Data-share Consensus. Not counted in ClinVar's aggregate classification.

Genome Diagnostics Laboratory, Amsterdam University Medical Center
Classification: Benign. Review status: no assertion criteria provided. Collection method: clinical testing. Allele origin: germline. Affected: yes. Study: VKGL Data-share Consensus. Not counted in ClinVar's aggregate classification.